The following is an entry in ClinVar:

ClinVar aggregate classification (germline): Uncertain significance (1 of 4 stars; one submission).

Conditions:
Charcot-Marie-Tooth disease axonal type 2C (HMSN2C). Also called: Charcot-Marie-Tooth Disease Type 2, TRPV4-Related (CMT2C); CHARCOT-MARIE-TOOTH DISEASE, AXONAL, AUTOSOMAL DOMINANT, TYPE 2C; Charcot-Marie-Tooth Neuropathy Type 2C. Identifiers: Orphanet 99937, MedGen C1853710, MONDO:0011633, OMIM 606071.

Submission:

Labcorp Genetics (formerly Invitae), Labcorp
Classification: Uncertain significance for Charcot-Marie-Tooth disease axonal type 2C. Last evaluated: 2022-10-14. Review status: criteria provided, single submitter. Criteria: Invitae Variant Classification Sherloc (09022015). Collection method: clinical testing. Allele origin: germline.
Comment: This sequence change creates a premature translational stop signal (p.Tyr478Thrfs*57) in the TRPV4 gene. It is expected to result in an absent or disrupted protein product. However, the current clinical and genetic evidence is not sufficient to establish whether loss-of-function variants in TRPV4 cause disease. This variant is present in population databases (no rsID available, gnomAD 0.006%). This variant has not been reported in the literature in individuals affected with TRPV4-related conditions. In summary, the available evidence is currently insufficient to determine the role of this variant in disease. Therefore, it has been classified as a Variant of Uncertain Significance.

NM_021625.5(TRPV4):c.1431del (p.Tyr478fs)

Gene: TRPV4 (transient receptor potential cation channel subfamily V member 4; minus strand). Cytogenetic location: 12q24.11.
Variant type: Deletion.
Coding change: c.1431del on transcript NM_021625.5 (MANE Select); coding-DNA position 1431, one base deleted (C; older notation c.1431delC).
Protein change: p.Tyr478fs; shifts the reading frame from tyrosine 478.
Molecular consequence: frameshift variant.
Genome position (GRCh38, 1-based): chr12:109,794,389, G deleted on the plus strand (C on the coding strand, the reverse complement: TRPV4 is on the minus strand); the first of 2 consecutive G bases (chr12:109,794,389-109,794,390); deleting either gives the same sequence. VCF-style (leftmost placement, unchanged base first): chr12-109794388-AG-A. GRCh37 (hg19) VCF-style: chr12-110232193-AG-A.
Other names: c.1289delC, p.Tyr431Thrfs (NM_001177428.2); c.1328delC, p.Tyr444Thrfs (NM_001177431.2); c.1109delC, p.Tyr371Thrfs (NM_001177433.2); c.1250delC, p.Tyr418Thrfs (NM_147204.3); short protein forms Y444fs, Y478fs, Y371fs, Y418fs, Y431fs.
Identifiers: ClinVar variation 1949734 (VCV001949734.5), dbSNP rs1461928666, ClinGen allele CA607602063.